The following is an entry in ClinVar:

ClinVar aggregate classification (germline): Pathogenic. Review status: criteria provided, single submitter (1 of 4 stars). 3 submissions from 3 submitters: Pathogenic (1). 2 of the submissions do not count toward it. Last evaluated 2024-07-26.

Conditions:
Brachydactyly type A1. Also called: FARABEE-TYPE BRACHYDACTYLY; SHORT STATURE WITH NONSPECIFIC SKELETAL ABNORMALITIES 2. Identifiers: Orphanet 93388, MedGen C1862151, MONDO:0007215, OMIM 112500, HP:0009371.
Acrocapitofemoral dysplasia (ACFD). Identifiers: Orphanet 63446, MedGen C1843096, MONDO:0011907, OMIM 607778.

Submissions (3):

Institute of Human Genetics, University of Leipzig Medical Center
Classification: Pathogenic for Brachydactyly type A1. Last evaluated: 2024-07-26. Review status: criteria provided, single submitter. Criteria: ACMG Guidelines, 2015. Collection method: clinical testing. Allele origin: unknown. Inheritance: Autosomal dominant inheritance. Affected: yes.
Comment: Criteria applied: PP1_STR,PM1,PM2,PM3,PP2,PP3,PM5_SUP

OMIM
Classification: Pathogenic for ACROCAPITOFEMORAL DYSPLASIA. Last evaluated: 2022-11-30. Review status: no assertion criteria provided. Collection method: literature only. Allele origin: germline. Not counted in ClinVar's aggregate classification.

Medical Genetics, Haseki Training and Research Hospital
Classification: Likely pathogenic for Acrocapitofemoral dysplasia. Last evaluated: 2021-02-01. Review status: no assertion criteria provided. Collection method: clinical testing. Allele origin: inherited. Inheritance: Autosomal recessive inheritance. Affected: yes. Observed: 1 homozygote. Not counted in ClinVar's aggregate classification.
Comment: Whole-exome analysis revealed a homozygous variant in IHH in two patients with Acrocapitofemoral dysplasia, NM_002181.4:c.478C>T (p.Arg160Cys), which was verified in the Sanger sequencing. The variant was not found in GnomAD. The Genomic Evolutionary Rate Profiling (GERP) score was 5.78 (predicted to be conserved). Algorithms developed to predict the effect of missense changes on protein structure and function all suggested that this variant was likely to be damaged. It was located in the second exon and the highly conserved amino-terminal domain of the gene. Taking the findings and bioinformatics analysis together, the variant was classified as likely pathogenic according to ACMG 2015 (PM1, PM2, PM5, PP2, PP3).

Literature cited by the submitters: PubMed 34530144 (cited by OMIM).

NM_002181.4(IHH):c.478C>T (p.Arg160Cys)

Gene: IHH (Indian hedgehog signaling molecule; minus strand). Cytogenetic location: 2q35.
Variant type: single nucleotide variant.
Coding change: c.478C>T on transcript NM_002181.4 (MANE Select); coding-DNA position 478, C replaced by T.
Protein change: p.Arg160Cys; replaces arginine 160 with cysteine.
Molecular consequence: missense variant.
Genome position (GRCh38, 1-based): chr2:219,057,532, G>A on the plus strand (C>T on the coding strand, the complement: IHH is on the minus strand). VCF-style: chr2-219057532-G-A. GRCh37 (hg19) VCF-style: chr2-219922254-G-A.
Other names: short protein forms R160C.
Identifiers: ClinVar variation 1217222 (VCV001217222.4), dbSNP rs1948842030, ClinGen allele CA350634584.
Genomic context (GRCh38, chr2:219,057,532, plus strand): 5'-AATACACCCAGTCAAAGCCGGCCTCCACTGCCAAGCGCGCCAGCAGTCCATACTTATTGC[G>A]GTCGCGGTCTGATGTGGTGATGTCCACCGCGCGGCCCTCATAATGCAGGGACTCCTCTGA-3'
Protein context (NP_002172.2, residues 150-170): AVDITTSDRD[Arg160Cys]NKYGLLARLA